The following is an entry in ClinVar:

ClinVar aggregate classification (germline): Uncertain significance (1 of 4 stars; one submission).

gnomAD v4.1: 2 of 1,609,790 alleles (0.00012%); highest among the groups gnomAD compares: Non-Finnish European, 0.00017%; no homozygotes.

Submission:

Dasa
Classification: Uncertain significance. Last evaluated: 2026-01-12. Review status: criteria provided, single submitter. Criteria: DASA Assertion Criteria. Collection method: clinical testing. Allele origin: germline.
Comment: NM_020708.5(SLC12A5):c.2536C>T (p.Arg846Trp) is a missense variant that results in the substitution of arginine with tryptophan. This variant is rare in population databases. Computational prediction algorithms are consistent with a deleterious effect. The currently available literature and clinical evidence are not sufficient to establish a definitive association between this variant and the reported condition. Therefore, this variant is classified as a variant of uncertain significance.

NM_020708.5(SLC12A5):c.2536C>T (p.Arg846Trp)

Gene: SLC12A5 (solute carrier family 12 member 5; plus strand). Cytogenetic location: 20q13.12.
Variant type: single nucleotide variant.
Coding change: c.2536C>T on transcript NM_020708.5 (MANE Select); coding-DNA position 2536, C replaced by T.
Protein change: p.Arg846Trp; replaces arginine 846 with tryptophan.
Molecular consequence: missense variant.
Genome position (GRCh38, 1-based): chr20:46,053,115, C>T. VCF-style: chr20-46053115-C-T. GRCh37 (hg19) VCF-style: chr20-44681754-C-T.
Other names: c.2605C>T, p.Arg869Trp (NM_001134771.2); short protein forms R846W, R869W.
Identifiers: ClinVar variation 4883714 (VCV004883714.2).
Genomic context (GRCh38, chr20:46,053,115, plus strand): 5'-ATCGACGTTTGGTGGATTGTGCACGATGGAGGCATGCTCATGCTGCTGCCCTTCCTGCTG[C>T]GGCACCACAAGGTGAGTTGTGTGCGTGAGTGTATGCACGTGTGAGTGTGTGTATGCATGT-3'
Protein context (NP_065759.1, residues 836-856): GMLMLLPFLL[Arg846Trp]HHKVWRKCKM